The following is an entry in ClinVar:

ClinVar aggregate classification (germline): Uncertain significance (1 of 4 stars; one submission).

Conditions:
Atrioventricular septal defect 5 (AVSD5). Identifiers: MedGen C3280939, MONDO:0013769, OMIM 614474.

Allele frequency attached by ClinVar (database versions not stated): gnomAD exomes below 0.00001; gnomAD 0.00001; TOPMed 0.00002.
gnomAD v4.1: 3 of 1,586,878 alleles (0.00019%); highest among the groups gnomAD compares: African/African-American, 0.004%; no homozygotes.

Submission:

Labcorp Genetics (formerly Invitae), Labcorp
Classification: Uncertain significance for Atrioventricular septal defect 5. Last evaluated: 2024-10-29. Review status: criteria provided, single submitter. Criteria: Invitae Variant Classification Sherloc (09022015). Collection method: clinical testing. Allele origin: germline.
Comment: This sequence change replaces threonine, which is neutral and polar, with serine, which is neutral and polar, at codon 67 of the GATA6 protein (p.Thr67Ser). This variant is present in population databases (no rsID available, gnomAD 0.008%). This variant has not been reported in the literature in individuals affected with GATA6-related conditions. ClinVar contains an entry for this variant (Variation ID: 961737). An algorithm developed to predict the effect of missense changes on protein structure and function (PolyPhen-2) suggests that this variant is likely to be tolerated. In summary, the available evidence is currently insufficient to determine the role of this variant in disease. Therefore, it has been classified as a Variant of Uncertain Significance.

NM_005257.6(GATA6):c.199A>T (p.Thr67Ser)

Gene: GATA6 (GATA binding protein 6; plus strand). Cytogenetic location: 18q11.2.
Variant type: single nucleotide variant.
Coding change: c.199A>T on transcript NM_005257.6 (MANE Select); coding-DNA position 199, A replaced by T.
Protein change: p.Thr67Ser; replaces threonine 67 with serine.
Molecular consequence: missense variant.
Genome position (GRCh38, 1-based): chr18:22,171,343, A>T. VCF-style: chr18-22171343-A-T. GRCh37 (hg19) VCF-style: chr18-19751304-A-T.
Other names: short protein forms T67S.
Identifiers: ClinVar variation 961737 (VCV000961737.9), dbSNP rs923229630, ClinGen allele CA401798999.